The following is an entry in ClinVar:

ClinVar aggregate classification (germline): Likely benign. Review status: criteria provided, multiple submitters, no conflicts (2 of 4 stars). 2 submissions from 2 submitters: Likely benign (2). Last evaluated 2025-09-14.

Conditions:
DOCK8-related disorder. Also called: DOCK8-related condition.
Combined immunodeficiency due to DOCK8 deficiency (HIES2). Also called: HYPER-IgE RECURRENT INFECTION SYNDROME 2, AUTOSOMAL RECESSIVE; HYPER-IgE SYNDROME 2, AUTOSOMAL RECESSIVE, WITH RECURRENT INFECTIONS; HIES autosomal recessive; DOCK8 Deficiency; Hyper-IgE recurrent infection syndrome, autosomal recessive. Identifiers: Orphanet 217390, MedGen C4722305, MONDO:0009478, OMIM 243700.

Allele frequency attached by ClinVar (database versions not stated): gnomAD 0.00001; gnomAD exomes 0.00002 and 0.00004; TOPMed 0.00002; ExAC 0.00003; ESP Exome Variant Server 0.00008.
gnomAD v4.1: 12 of 1,614,072 alleles (0.00074%); highest among the groups gnomAD compares: Admixed American, 0.005%; no homozygotes.

Submissions (2):

Labcorp Genetics (formerly Invitae), Labcorp
Classification: Likely benign for Combined immunodeficiency due to DOCK8 deficiency. Last evaluated: 2025-09-14. Review status: criteria provided, single submitter. Criteria: Invitae Variant Classification Sherloc (09022015). Collection method: clinical testing. Allele origin: germline.

PreventionGenetics, part of Exact Sciences
Classification: Likely benign for DOCK8-related condition. Last evaluated: 2025-04-12. Review status: criteria provided, single submitter. Criteria: ACMG Guidelines, 2015. Collection method: clinical testing. Allele origin: germline.
Comment: This variant is classified as likely benign based on ACMG/AMP sequence variant interpretation guidelines (Richards et al. 2015 PMID: 25741868, with internal and published modifications).

NM_203447.4(DOCK8):c.2553C>T (p.Tyr851=)

Gene: DOCK8 (dedicator of cytokinesis 8; plus strand). Cytogenetic location: 9p24.3.
Variant type: single nucleotide variant.
Coding change: c.2553C>T on transcript NM_203447.4 (MANE Select); coding-DNA position 2553, C replaced by T.
Protein change: p.Tyr851=; no amino-acid change (tyrosine 851 retained).
Molecular consequence: synonymous variant.
Genome position (GRCh38, 1-based): chr9:379,883, C>T. VCF-style: chr9-379883-C-T. GRCh37 (hg19) VCF-style: chr9-379883-C-T.
Other names: c.2349C>T, p.Tyr783= (NM_001190458.2, NM_001193536.2).
Identifiers: ClinVar variation 468737 (VCV000468737.10), dbSNP rs372565541, ClinGen allele CA4958225.